The following is an entry in ClinVar:

NM_000016.6(ACADM):c.342T>A (p.Tyr114Ter)

Gene: ACADM (acyl-CoA dehydrogenase medium chain; plus strand). Cytogenetic location: 1p31.1.
Variant type: single nucleotide variant.
Coding change: c.342T>A on transcript NM_000016.6 (MANE Select); coding-DNA position 342, T replaced by A.
Protein change: p.Tyr114Ter; replaces tyrosine 114 with a stop codon.
Molecular consequence: nonsense. On other transcripts: intron variant (1).
Genome position (GRCh38, 1-based): chr1:75,733,583, T>A. VCF-style: chr1-75733583-T-A. GRCh37 (hg19) VCF-style: chr1-76199268-T-A.
Other names: c.354T>A, p.Tyr118Ter (NM_001127328.3); c.234T>A, p.Tyr78Ter (NM_001286042.2); c.441T>A, p.Tyr147Ter (NM_001286043.2); c.-100+661T>A (NM_001286044.2); short protein forms Y114*, Y118*, Y147*, Y78*.
Identifiers: ClinVar variation 1454518 (VCV001454518.7), dbSNP rs2100365911, ClinGen allele CA340812272.

ClinVar aggregate classification (germline): Pathogenic. Review status: criteria provided, multiple submitters, no conflicts (2 of 4 stars). 2 submissions from 2 submitters: Pathogenic (2). Last evaluated 2025-02-11.

Conditions:
Medium-chain acyl-coenzyme A dehydrogenase deficiency (ACADMD). Also called: CARNITINE DEFICIENCY SECONDARY TO MEDIUM-CHAIN ACYL-CoA DEHYDROGENASE DEFICIENCY; MCADD; Medium chain acyl-CoA dehydrogenase deficiency; ACADM DEFICIENCY; MCAD Deficiency; MCADH DEFICIENCY. Identifiers: Orphanet 42, MedGen C0220710, MONDO:0008721, OMIM 201450.

Submissions (2):

Myriad Genetics, Inc.
Classification: Pathogenic for Medium-chain acyl-coenzyme A dehydrogenase deficiency. Last evaluated: 2025-02-11. Review status: criteria provided, single submitter. Criteria: Myriad Autosomal Dominant, Autosomal Recessive and X-Linked Classification Criteria (2023). Collection method: clinical testing. Allele origin: unknown.
Comment: NM_000016.4(ACADM):c.342T>A(Y114*) is expected to be pathogenic in the context of medium-chain acyl-CoA dehydrogenase deficiency. This variant is predicted to lead to an abnormal or absent protein product due to the creation of a premature termination codon in ACADM, a gene where loss-of-function variants are known to be pathogenic. Please note: this variant was assessed in the context of healthy population screening.

Labcorp Genetics (formerly Invitae), Labcorp
Classification: Pathogenic for Medium-chain acyl-coenzyme A dehydrogenase deficiency. Last evaluated: 2021-08-03. Review status: criteria provided, single submitter. Criteria: Invitae Variant Classification Sherloc (09022015). Collection method: clinical testing. Allele origin: germline.
Comment: This sequence change creates a premature translational stop signal (p.Tyr114*) in the ACADM gene. It is expected to result in an absent or disrupted protein product. Loss-of-function variants in ACADM are known to be pathogenic (PMID: 16121256, 20434380). This variant is not present in population databases (ExAC no frequency). This variant has not been reported in the literature in individuals affected with ACADM-related conditions. For these reasons, this variant has been classified as Pathogenic.

Literature cited by the submitters: PubMed 16121256 (cited by Labcorp Genetics (formerly Invitae), Labcorp); PubMed 20434380 (cited by Labcorp Genetics (formerly Invitae), Labcorp).